The following is an entry in ClinVar:

ClinVar aggregate classification (germline): Uncertain significance (1 of 4 stars; one submission).

Conditions:
Autosomal recessive limb-girdle muscular dystrophy type 2Y (MRRSDC). Also called: Muscular dystrophy, limb-girdle, type 2y; Muscular dystrophy, autosomal recessive, with rigid spine and distal joint contractures. Identifiers: Orphanet 424261, MedGen C4511482, MONDO:0014900, OMIM 617072.

Submission:

Labcorp Genetics (formerly Invitae), Labcorp
Classification: Uncertain significance for Autosomal recessive limb-girdle muscular dystrophy type 2Y. Last evaluated: 2022-06-17. Review status: criteria provided, single submitter. Criteria: Invitae Variant Classification Sherloc (09022015). Collection method: clinical testing. Allele origin: germline.
Comment: In summary, the available evidence is currently insufficient to determine the role of this variant in disease. Therefore, it has been classified as a Variant of Uncertain Significance. Algorithms developed to predict the effect of missense changes on protein structure and function are either unavailable or do not agree on the potential impact of this missense change (SIFT: "Deleterious"; PolyPhen-2: "Benign"; Align-GVGD: "Class C0"). This variant has not been reported in the literature in individuals affected with TOR1AIP1-related conditions. This variant is not present in population databases (gnomAD no frequency). This sequence change replaces glutamic acid, which is acidic and polar, with aspartic acid, which is acidic and polar, at codon 89 of the TOR1AIP1 protein (p.Glu89Asp).

NM_015602.4(TOR1AIP1):c.267G>C (p.Glu89Asp)

Genes: TOR1AIP1 (torsin 1A interacting protein 1; plus strand), LOC112577517 (Sharpr-MPRA regulatory region 13766; plus strand). Cytogenetic location: 1q25.2.
Variant type: single nucleotide variant.
Coding change: c.267G>C on transcript NM_015602.4 (MANE Select); coding-DNA position 267, G replaced by C.
Protein change: p.Glu89Asp; replaces glutamic acid 89 with aspartic acid.
Molecular consequence: missense variant.
Genome position (GRCh38, 1-based): chr1:179,882,769, G>C. VCF-style: chr1-179882769-G-C. GRCh37 (hg19) VCF-style: chr1-179851904-G-C.
Other names: c.267G>C, p.Glu89Asp (NM_001267578.2); short protein forms E89D.
Identifiers: ClinVar variation 2006752 (VCV002006752.4), dbSNP rs1447571663, ClinGen allele CA343577957.
Genomic context (GRCh38, chr1:179,882,769, plus strand): 5'-CTTCGAGCCCCTGGTGGCCAAAGAAAGGTCCCCGGTGGGAAAACGAACCCGGCTAGAAGA[G>C]TTCCGGTCCGATTCTGCGAAAGAGGAAGTGAGAGAAAGCGCGTACTACCTTCGGTCTAGG-3'
Protein context (NP_056417.2, residues 79-99): SPVGKRTRLE[Glu89Asp]FRSDSAKEEV